The following is an entry in ClinVar:

ClinVar aggregate classification (germline): Uncertain significance (1 of 4 stars; one submission).

Conditions:
Fanconi anemia (FA). Also called: Fanconi's anemia. Identifiers: Orphanet 84, MedGen C0015625, MeSH D005199, MONDO:0019391.

Submission:

Labcorp Genetics (formerly Invitae), Labcorp
Classification: Uncertain significance for Fanconi anemia. Last evaluated: 2025-07-19. Review status: criteria provided, single submitter. Criteria: Invitae Variant Classification Sherloc (09022015). Collection method: clinical testing. Allele origin: germline.
Comment: This sequence change replaces aspartic acid, which is acidic and polar, with tyrosine, which is neutral and polar, at codon 168 of the FANCL protein (p.Asp168Tyr). This variant is not present in population databases (gnomAD no frequency). This variant has not been reported in the literature in individuals affected with FANCL-related conditions. Invitae Evidence Modeling of protein sequence and biophysical properties (such as structural, functional, and spatial information, amino acid conservation, physicochemical variation, residue mobility, and thermodynamic stability) indicates that this missense variant is expected to disrupt FANCL protein function with a positive predictive value of 80%. Algorithms developed to predict the effect of sequence changes on RNA splicing suggest that this variant may disrupt the consensus splice site. In summary, the available evidence is currently insufficient to determine the role of this variant in disease. Therefore, it has been classified as a Variant of Uncertain Significance.

NM_018062.4(FANCL):c.502G>T (p.Asp168Tyr)

Gene: FANCL (FA complementation group L; minus strand). Cytogenetic location: 2p16.1.
Variant type: single nucleotide variant.
Coding change: c.502G>T on transcript NM_018062.4 (MANE Select); coding-DNA position 502, G replaced by T.
Protein change: p.Asp168Tyr; replaces aspartic acid 168 with tyrosine.
Molecular consequence: missense variant. On other transcripts: non-coding transcript variant (2), intron variant (1).
Genome position (GRCh38, 1-based): chr2:58,198,632, C>A on the plus strand (G>T on the coding strand, the complement: FANCL is on the minus strand). VCF-style: chr2-58198632-C-A. GRCh37 (hg19) VCF-style: chr2-58425767-C-A.
Other names: c.502G>T, p.Asp168Tyr (NM_001114636.2, NM_001374615.1, NM_001410792.1 and 3 more transcripts); c.97-32758G>T (NM_001438892.1); short protein forms D168Y.
Identifiers: ClinVar variation 4710361 (VCV004710361.1).
Genomic context (GRCh38, chr2:58,198,632, plus strand): 5'-AATTTACCTGAGGAGAATTTACCTGAGGTGTCCAGGAGGCACAAAATGGAACAGGAAAAT[C>A]CACAAAATAATCTGGTGATTCTGCAGGATACTATTAAAAAAGCATAACATTAGACCATTT-3'
Protein context (NP_060532.2, residues 158-178): YPAESPDYFV[Asp168Tyr]FPVPFCASWT